The following is an entry in ClinVar:

ClinVar aggregate classification (germline): Uncertain significance (1 of 4 stars; one submission).

Submission:

Ambry Genetics
Classification: Uncertain significance. Last evaluated: 2026-06-09. Review status: criteria provided, single submitter. Criteria: Ambry Variant Classification Scheme 2023. Collection method: clinical testing. Allele origin: germline.
Comment: The p.E1082D variant (also known as c.3246G>C), located in coding exon 1 of the TET2 gene, results from a G to C substitution at nucleotide position 3246. The glutamic acid at codon 1082 is replaced by aspartic acid, an amino acid with highly similar properties. This amino acid position is conserved. In addition, this alteration is predicted to be tolerated by in silico analysis. Based on the available evidence, the clinical significance of this variant remains unclear.

NM_001127208.3(TET2):c.3246G>C (p.Glu1082Asp)

Genes: TET2 (tet methylcytosine dioxygenase 2; plus strand), TET2-AS1 (TET2 antisense RNA 1; minus strand). Cytogenetic location: 4q24.
Variant type: single nucleotide variant.
Coding change: c.3246G>C on transcript NM_001127208.3 (MANE Select); coding-DNA position 3246, G replaced by C.
Protein change: p.Glu1082Asp; replaces glutamic acid 1082 with aspartic acid.
Molecular consequence: missense variant.
Genome position (GRCh38, 1-based): chr4:105,237,188, G>C. VCF-style: chr4-105237188-G-C. GRCh37 (hg19) VCF-style: chr4-106158345-G-C.
Other names: c.3246G>C, p.Glu1082Asp (NM_017628.4); short protein forms E1082D.
Identifiers: ClinVar variation 4865610 (VCV004865610.1).